The following is an entry in ClinVar:

NM_001372044.2(SHANK3):c.5097C>T (p.Arg1699=)

Gene: SHANK3 (SH3 and multiple ankyrin repeat domains 3; plus strand). Cytogenetic location: 22q13.33.
Variant type: single nucleotide variant.
Coding change: c.5097C>T on transcript NM_001372044.2 (MANE Select); coding-DNA position 5097, C replaced by T.
Protein change: p.Arg1699=; no amino-acid change (arginine 1699 retained).
Molecular consequence: synonymous variant.
Genome position (GRCh38, 1-based): chr22:50,730,988, C>T. VCF-style: chr22-50730988-C-T. GRCh37 (hg19) VCF-style: chr22-51169416-C-T.
Other names: c.4872C>T, p.Arg1624= (NM_033517.1).
Identifiers: ClinVar variation 2672920 (VCV002672920.23), dbSNP rs2518439324, ClinGen allele CA515267098.
Genomic context (GRCh38, chr22:50,730,988, plus strand): 5'-GCCCCCCACCATCCTCAAGTCGTCCAGCCTCTCCATCCCGCACGAGCCCAAGGAGGTGCG[C>T]TTCGTGGTGCGCAGCGTGAGCGCGCGCAGTCGCTCCCCCTCGCCGTCGCCGCTGCCCTCG-3'
Protein context (NP_001358973.1, residues 1689-1709): LSIPHEPKEV[Arg1699=]FVVRSVSARS

ClinVar aggregate classification (germline): Likely benign (1 of 4 stars; one submission).

Allele frequency attached by ClinVar (database versions not stated): gnomAD exomes below 0.00001.

Submission:

CeGaT Center for Human Genetics Tuebingen
Classification: Likely benign. Last evaluated: 2023-11-01. Review status: criteria provided, single submitter. Criteria: CeGaT Center For Human Genetics Tuebingen Variant Classification Criteria Version 2. Collection method: clinical testing. Allele origin: germline. Affected: yes. Observed: 1 variant allele.
Comment: SHANK3: PM2:Supporting, BP4, BP7